The following is an entry in ClinVar:

ClinVar aggregate classification (germline): Likely pathogenic (1 of 4 stars; one submission).

Conditions:
Autosomal recessive nonsyndromic hearing loss 24. Identifiers: Orphanet 90636, MedGen C1970239, MONDO:0012602, OMIM 611022.

Submission:

First Genomix Gene Laboratory, Genetic Diagnostics Department
Classification: Likely pathogenic for Autosomal recessive nonsyndromic hearing loss 24. Last evaluated: 2025-03-27. Review status: criteria provided, single submitter. Criteria: ACMG Guidelines, 2015. Collection method: clinical testing. Allele origin: germline. Inheritance: Autosomal recessive inheritance. Affected: no. Observed: 1 variant allele.

NM_002906.4(RDX):c.1412dup (p.Pro472fs)

Gene: RDX (radixin; minus strand). Cytogenetic location: 11q22.3.
Variant type: Duplication.
Coding change: c.1412dup on transcript NM_002906.4 (MANE Select); coding-DNA position 1412, one base duplicated (C; older notation c.1412dupC).
Protein change: p.Pro472fs; shifts the reading frame from proline 472.
Molecular consequence: frameshift variant. On other transcripts: intron variant (1).
Genome position (GRCh38, 1-based): chr11:110,233,412, G duplicated on the plus strand (C on the coding strand, the reverse complement: RDX is on the minus strand); the first of 7 consecutive G bases (chr11:110,233,412-110,233,418); duplicating any one gives the same sequence. VCF-style (leftmost placement, unchanged base first): chr11-110233411-A-AG. GRCh37 (hg19) VCF-style: chr11-110104136-A-AG.
Other names: c.1412dup, p.Pro472fs (NM_001260492.2, NM_001260493.2, NM_001440505.1 and 3 more transcripts); c.1004dup, p.Pro336fs (NM_001260494.2); c.371dup, p.Pro125fs (NM_001260495.2); c.1598dup, p.Pro534fs (NM_001440509.1); c.1379dup, p.Pro461fs (NM_001440510.1, NM_001440511.1, NM_001440513.1 and 2 more transcripts); c.1433dup, p.Pro479fs (NM_001440512.1); c.1328dup, p.Pro444fs (NM_001440516.1); c.1316dup, p.Pro440fs (NM_001440517.1); and 2 more; short protein forms P125fs, P336fs, P440fs, P444fs, P461fs, P472fs, P479fs, P534fs.
Identifiers: ClinVar variation 4845838 (VCV004845838.1).